The following is an entry in ClinVar:

ClinVar aggregate classification (germline): Likely benign. Review status: criteria provided, multiple submitters, no conflicts (2 of 4 stars). 4 submissions from 4 submitters: Likely benign (3). 1 of the submissions does not count toward it. Last evaluated 2025-12-22.

Conditions:
ASPH-related disorder. Also called: ASPH-related condition.

Allele frequency attached by ClinVar (database versions not stated): gnomAD exomes 0.00071 and 0.00074; gnomAD 0.00078 and 0.00079; TOPMed 0.00084; 1000 Genomes Project 30x 0.00094; 1000 Genomes Project 0.00100; ExAC 0.00101.
gnomAD v4.1: 1,123 of 1,549,132 alleles (0.072%); highest among the groups gnomAD compares: Admixed American, 0.15%; 2 homozygotes.

Submissions (4):

Labcorp Genetics (formerly Invitae), Labcorp
Classification: Likely benign. Last evaluated: 2025-12-22. Review status: criteria provided, single submitter. Criteria: Invitae Variant Classification Sherloc (09022015). Collection method: clinical testing. Allele origin: germline.

Blueprint Genetics
Classification: Likely benign. Last evaluated: 2024-11-27. Review status: criteria provided, single submitter. Criteria: ACMG Guidelines, 2015. Collection method: clinical testing. Allele origin: germline.

CeGaT Center for Human Genetics Tuebingen
Classification: Likely benign. Last evaluated: 2022-04-01. Review status: criteria provided, single submitter. Criteria: CeGaT Center For Human Genetics Tuebingen Variant Classification Criteria Version 2. Collection method: clinical testing. Allele origin: germline. Affected: yes. Observed: 1 variant allele.
Comment: ASPH: BP4, BP7

PreventionGenetics, part of Exact Sciences
Classification: Likely benign for ASPH-related condition. Last evaluated: 2019-07-15. Review status: no assertion criteria provided. Collection method: clinical testing. Allele origin: germline. Not counted in ClinVar's aggregate classification.
Comment: This variant is classified as likely benign based on ACMG/AMP sequence variant interpretation guidelines (Richards et al. 2015 PMID: 25741868, with internal and published modifications).

NM_004318.4(ASPH):c.783G>A (p.Glu261=)

Gene: ASPH (aspartate beta-hydroxylase; minus strand). Cytogenetic location: 8q12.3.
Variant type: single nucleotide variant.
Coding change: c.783G>A on transcript NM_004318.4 (MANE Select); coding-DNA position 783, G replaced by A.
Protein change: p.Glu261=; no amino-acid change (glutamic acid 261 retained).
Molecular consequence: synonymous variant.
Genome position (GRCh38, 1-based): chr8:61,642,895, C>T on the plus strand (G>A on the coding strand, the complement: ASPH is on the minus strand). VCF-style: chr8-61642895-C-T. GRCh37 (hg19) VCF-style: chr8-62555454-C-T.
Other names: c.696G>A, p.Glu232= (NM_001164750.2); c.741G>A, p.Glu247= (NM_001164751.2, NM_032468.5); c.684G>A, p.Glu228= (NM_001164752.2); c.612G>A, p.Glu204= (NM_001164753.2); c.726G>A, p.Glu242= (NM_001164754.2); c.654G>A, p.Glu218= (NM_001164755.2); c.783G>A, p.Glu261= (NM_032466.4).
Identifiers: ClinVar variation 739235 (VCV000739235.34), dbSNP rs148064193, ClinGen allele CA4762066.